The following is an entry in ClinVar:

ClinVar aggregate classification (germline): Conflicting classifications of pathogenicity. Review status: criteria provided, conflicting classifications (1 of 4 stars). 8 submissions from 8 submitters: Uncertain significance (7); Likely benign (1). Last evaluated 2026-01-26.

Conditions:
Inborn genetic diseases. Identifiers: MedGen C0950123, MeSH D030342.
Neuropathy, hereditary sensory and autonomic, type 2B (HSAN2B). Also called: RETREG1-Related HSAN2 (HSAN2B). Identifiers: Orphanet 970, MedGen C2751092, MONDO:0013142, OMIM 613115.

Allele frequency attached by ClinVar (database versions not stated): ESP Exome Variant Server 0.00017; ExAC 0.00022; gnomAD exomes 0.00022 and 0.00064; gnomAD 0.00034 and 0.00036; TOPMed 0.00037.

Submissions (8):

Women's Health and Genetics/Laboratory Corporation of America, LabCorp
Classification: Uncertain significance. Last evaluated: 2026-01-26. Review status: criteria provided, single submitter. Criteria: LabCorp Variant Classification Summary - May 2015. Collection method: clinical testing. Allele origin: germline.
Comment: Variant summary: RETREG1 c.380G>A (p.Arg127His) results in a non-conservative amino acid change in the encoded protein sequence. Algorithms developed to predict the effect of missense changes on protein structure and function are either unavailable or do not agree on the potential impact of this missense change. The variant allele was found at a frequency of 0.00023 in 280886 control chromosomes. This frequency is not significantly higher than estimated for disease-causing variants in RETREG1, allowing no conclusion about variant significance. To our knowledge, no occurrence of c.380G>A in individuals affected with RETREG1-related conditions and no experimental evidence demonstrating its impact on protein function have been reported. ClinVar contains an entry for this variant (Variation ID: 379338). Based on the evidence outlined above, the variant was classified as uncertain significance.

Mayo Clinic Laboratories, Mayo Clinic
Classification: Uncertain significance. Last evaluated: 2025-09-04. Review status: criteria provided, single submitter. Criteria: ACMG Guidelines, 2015. Collection method: clinical testing. Allele origin: germline. Observed: 2 variant alleles.
Comment: BP4_moderate

GeneDx
Classification: Uncertain significance. Last evaluated: 2025-05-01. Review status: criteria provided, single submitter. Criteria: GeneDx Variant Classification Process June 2021. Collection method: clinical testing. Allele origin: germline. Affected: yes.
Comment: In silico analysis suggests that this missense variant does not alter protein structure/function; Has not been previously published as pathogenic or benign to our knowledge

Labcorp Genetics (formerly Invitae), Labcorp
Classification: Uncertain significance. Last evaluated: 2024-11-23. Review status: criteria provided, single submitter. Criteria: Invitae Variant Classification Sherloc (09022015). Collection method: clinical testing. Allele origin: germline.
Comment: This sequence change replaces arginine, which is basic and polar, with histidine, which is basic and polar, at codon 127 of the RETREG1 protein (p.Arg127His). This variant is present in population databases (rs200871433, gnomAD 0.05%). This variant has not been reported in the literature in individuals affected with RETREG1-related conditions. ClinVar contains an entry for this variant (Variation ID: 379338). An algorithm developed to predict the effect of missense changes on protein structure and function (PolyPhen-2) suggests that this variant¬†is likely to be tolerated. In summary, the available evidence is currently insufficient to determine the role of this variant in disease. Therefore, it has been classified as a Variant of Uncertain Significance.

Blueprint Genetics
Classification: Uncertain significance. Last evaluated: 2024-09-13. Review status: criteria provided, single submitter. Criteria: ACMG Guidelines, 2015. Collection method: clinical testing. Allele origin: germline.

Ambry Genetics
Classification: Likely benign for Inborn genetic diseases. Last evaluated: 2024-01-02. Review status: criteria provided, single submitter. Criteria: Ambry Variant Classification Scheme 2023. Collection method: clinical testing. Allele origin: germline.

ARUP Laboratories, Molecular Genetics and Genomics, ARUP Laboratories
Classification: Uncertain significance for Neuropathy, hereditary sensory and autonomic, type 2B. Last evaluated: 2019-05-03. Review status: criteria provided, single submitter. Criteria: ARUP Molecular Germline Variant Investigation Process. Collection method: clinical testing. Allele origin: germline.
Comment: The RETREG1 c.380G>A; p.Arg127His variant (rs200871433) has not been reported in the medical literature; however, this variant is listed in the ClinVar database as uncertain (Variation ID: 379338). This variant is found in the general population with an allele frequency in non-Finnish European populations of 0.05% (61/128,652 alleles) in the Genome Aggregation Database. The arginine at codon 127 is highly conserved (Alamut v.2.11) and computational analyses (SIFT, PolyPhen-2) predict that this variant is tolerated. However, based on the available information, the clinical significance of this variant is uncertain.

Illumina Laboratory Services, Illumina
Classification: Uncertain significance for Neuropathy, hereditary sensory and autonomic, type 2B. Last evaluated: 2017-04-27. Review status: criteria provided, single submitter. Criteria: ICSL Variant Classification Criteria 13 December 2019. Collection method: clinical testing. Allele origin: germline.

NM_001034850.3(RETREG1):c.380G>A (p.Arg127His)

Gene: RETREG1 (reticulophagy regulator 1; minus strand). Cytogenetic location: 5p15.1.
Variant type: single nucleotide variant.
Coding change: c.380G>A on transcript NM_001034850.3 (MANE Select); coding-DNA position 380, G replaced by A.
Protein change: p.Arg127His; replaces arginine 127 with histidine.
Molecular consequence: missense variant.
Genome position (GRCh38, 1-based): chr5:16,572,043, C>T on the plus strand (G>A on the coding strand, the complement: RETREG1 is on the minus strand). VCF-style: chr5-16572043-C-T. GRCh37 (hg19) VCF-style: chr5-16572152-C-T.
Other names: short protein forms R127H.
Identifiers: ClinVar variation 379338 (VCV000379338.34), dbSNP rs200871433, ClinGen allele CA3210489.